The following is an entry in ClinVar:

NM_000321.3(RB1):c.265-1G>A

Gene: RB1 (RB transcriptional corepressor 1; plus strand). Cytogenetic location: 13q14.2.
Variant type: single nucleotide variant.
Coding change: c.265-1G>A on transcript NM_000321.3 (MANE Select); the canonical splice acceptor site of the intron before coding-DNA position 265, G replaced by A.
Molecular consequence: splice acceptor variant.
Genome position (GRCh38, 1-based): chr13:48,342,598, G>A. VCF-style: chr13-48342598-G-A. GRCh37 (hg19) VCF-style: chr13-48916734-G-A.
Other names: c.265-1G>A (NM_001407165.1, NM_001407166.1).
Identifiers: ClinVar variation 4710085 (VCV004710085.1).
Genomic context (GRCh38, chr13:48,342,598, plus strand): 5'-ACATAGTATCCAGTGTGTGAATTATTTAATGAAATATTTGATCTTTATTTTTTGTTCCCA[G>A]GGAGGTTATATTCAAAAGAAAAAGGAACTGTGGGGAATCTGTATCTTTATTGCAGCAGTT-3'

ClinVar aggregate classification (germline): Pathogenic (1 of 4 stars; one submission).

Conditions:
Retinoblastoma (RB1). Also called: RETINOBLASTOMA, SOMATIC. Identifiers: Orphanet 790, MedGen C0035335, MeSH D012175, MONDO:0008380, OMIM 180200, HP:0009919. Disease mechanism: loss of function. Inheritance: Both sporadic and heritable forms are tested..

Submission:

Labcorp Genetics (formerly Invitae), Labcorp
Classification: Pathogenic for Retinoblastoma. Last evaluated: 2025-03-31. Review status: criteria provided, single submitter. Criteria: Invitae Variant Classification Sherloc (09022015). Collection method: clinical testing. Allele origin: germline.
Comment: This sequence change affects an acceptor splice site in intron 2 of the RB1 gene. It is expected to disrupt RNA splicing. Variants that disrupt the donor or acceptor splice site typically lead to a loss of protein function (PMID: 16199547), and loss-of-function variants in RB1 are known to be pathogenic (PMID: 17096365). This variant is not present in population databases (gnomAD no frequency). Disruption of this splice site has been observed in individual(s) with retinoblastoma (PMID: 17960112). This variant is also known as g.39445G>A. Algorithms developed to predict the effect of sequence changes on RNA splicing suggest that this variant may disrupt the consensus splice site. For these reasons, this variant has been classified as Pathogenic.

Literature cited by the submitters: PubMed 16199547; PubMed 17096365; PubMed 17960112.